The following is an entry in ClinVar:

NM_033380.3(COL4A5):c.2835_2836del (p.Glu945fs)

Gene: COL4A5 (collagen type IV alpha 5 chain; plus strand). Cytogenetic location: Xq22.3.
Variant type: Deletion.
Coding change: c.2835_2836del on transcript NM_033380.3 (MANE Select); coding-DNA positions 2835 to 2836, 2 bases deleted (GC; older notation c.2835_2836delGC).
Protein change: p.Glu945fs; shifts the reading frame from glutamic acid 945.
Molecular consequence: frameshift variant.
Genome position (GRCh38, 1-based): chrX:108,622,743-108,622,744, GC deleted. VCF-style (leftmost placement, unchanged base first): chrX-108622742-AGC-A. GRCh37 (hg19) VCF-style: chrX-107865972-AGC-A.
Other names: c.2835_2836del, p.Glu945fs (NM_000495.5); short protein forms E945fs.
Identifiers: ClinVar variation 3255169 (VCV003255169.1), dbSNP rs2524408042.

ClinVar aggregate classification (germline): Pathogenic (1 of 4 stars; one submission).

Conditions:
X-linked Alport syndrome (ATS1). Also called: COL4A5-Related Nephropathy; NEPHROPATHY AND DEAFNESS, X-LINKED. Identifiers: Orphanet 63, Orphanet 88917, MedGen C4746986, MONDO:0010520, OMIM 301050.

Submission:

Victorian Clinical Genetics Services, Murdoch Childrens Research Institute
Classification: Pathogenic for X-linked Alport syndrome. Last evaluated: 2023-07-16. Review status: criteria provided, single submitter. Criteria: ACMG Guidelines, 2015. Collection method: clinical testing. Allele origin: germline. Inheritance: X-linked dominant inheritance. Affected: yes.
Comment: Based on the classification scheme VCGS_Germline_v1.3.4, this variant is classified as Pathogenic. Following criteria are met: 0103 - Dominant negative and loss of function are known mechanisms of disease in this gene and are associated with X-linked Alport syndrome 1 (MIM#301050). Dominant negative is caused mostly by glycine substitutions that affect the conformation of the protein, and loss of function can be caused by either protein truncating or missense variants (PMID: 24046192, 12028435). (I) 0110 - This gene is associated with X-linked dominant disease. Males are typically more severely affected than females (PMID: 19965530). (I) 0115 - Variants in this gene are known to have variable expressivity. There is intrafamilial variability among affected carrier females, possibly due to variable X-inactivation (PMID: 14514738). (I) 0201 - Variant is predicted to cause nonsense-mediated decay (NMD) and loss of protein (premature termination codon is located at least 54 nucleotides upstream of the final exon-exon junction). (SP) 0251 - This variant is heterozygous. (I) 0301 - Variant is absent from gnomAD (both v2 and v3). (SP) 0701 - Other NMD predicted variants comparable to the one identified in this case have very strong previous evidence for pathogenicity (DECIPHER). (SP) 0807 - This variant has no previous evidence of pathogenicity. (I) 0905 - No published segregation evidence has been identified for this variant. (I) 1007 - No published functional evidence has been identified for this variant. (I) 1208 - Inheritance information for this variant is not currently available in this individual. (I) Legend: (SP) - Supporting pathogenic, (I) - Information, (SB) - Supporting benign

Literature cited by the submitters: PubMed 12028435; PubMed 14514738; PubMed 19965530; PubMed 24046192.